The following is an entry in ClinVar:

ClinVar aggregate classification (germline): Conflicting classifications of pathogenicity. Review status: criteria provided, conflicting classifications (1 of 4 stars). 2 submissions from 2 submitters: Likely pathogenic (1); Uncertain significance (1). Last evaluated 2024-06-17.

Conditions:
Primary ciliary dyskinesia 20. Also called: CILIARY DYSKINESIA, PRIMARY, 20, WITH OR WITHOUT SITUS INVERSUS. Identifiers: Orphanet 244, MedGen C3540844, MONDO:0014030, OMIM 615067.

Allele frequency attached by ClinVar (database versions not stated): gnomAD 0.00002; gnomAD exomes 0.00002; TOPMed 0.00002.
gnomAD v4.1: 28 of 1,550,522 alleles (0.0018%); highest among the groups gnomAD compares: Admixed American, 0.0039%; no homozygotes.

Submissions (2):

Blueprint Genetics
Classification: Uncertain significance. Last evaluated: 2024-06-17. Review status: criteria provided, single submitter. Criteria: ACMG Guidelines, 2015. Collection method: clinical testing. Allele origin: germline.

Dasa
Classification: Likely pathogenic for Primary ciliary dyskinesia 20. Last evaluated: 2022-11-03. Review status: criteria provided, single submitter. Criteria: ACMG Guidelines, 2015. Collection method: clinical testing. Allele origin: germline. Affected: no. Observed: 1 variant allele.
Comment: The c.97C>T;p.(Arg33*) variant creates a premature translational stop signal in the ODAD1 gene. It is expected to result in an absent or disrupted protein product - PVS1. The variant is present at low allele frequencies population databases (rs868110599 – gnomAD 0.0001975%; ABraOM 0.000427 frequency) - PM2_supporting. In summary, the currently available evidence indicates that the variant is likely pathogenic.

NM_001364171.2(ODAD1):c.97C>T (p.Arg33Ter)

Gene: ODAD1 (outer dynein arm docking complex subunit 1; minus strand). Cytogenetic location: 19q13.33.
Variant type: single nucleotide variant.
Coding change: c.97C>T on transcript NM_001364171.2 (MANE Select); coding-DNA position 97, C replaced by T.
Protein change: p.Arg33Ter; replaces arginine 33 with a stop codon.
Molecular consequence: nonsense. On other transcripts: 5 prime UTR variant (1).
Genome position (GRCh38, 1-based): chr19:48,318,786, G>A on the plus strand (C>T on the coding strand, the complement: ODAD1 is on the minus strand). VCF-style: chr19-48318786-G-A. GRCh37 (hg19) VCF-style: chr19-48822043-G-A.
Other names: c.-15C>T (NM_144577.4); short protein forms R33*.
Identifiers: ClinVar variation 1723223 (VCV001723223.3), dbSNP rs868110599, ClinGen allele CA309317837.